The following is an entry in ClinVar:

ClinVar aggregate classification (germline): Uncertain significance. Review status: criteria provided, multiple submitters, no conflicts (2 of 4 stars). 4 submissions from 4 submitters: Uncertain significance (3). 1 of the submissions does not count toward it. Last evaluated 2019-03-08.

Conditions:
Finnish congenital nephrotic syndrome (NPHS1). Also called: NEPHROTIC SYNDROME, TYPE 1. Identifiers: Orphanet 839, MedGen C0403399, MONDO:0009732, OMIM 256300.
Congenital nephrotic syndrome. Also called: Familial nephrotic syndrome. Identifiers: MedGen C3501848, MeSH C535761, MONDO:0002350, HP:0008677.

Allele frequency attached by ClinVar (database versions not stated): gnomAD 0.00001; gnomAD exomes 0.00002; ExAC 0.00003; TOPMed 0.00004.
gnomAD v4.1: 39 of 1,613,604 alleles (0.0024%); highest among the groups gnomAD compares: Non-Finnish European, 0.0031%; no homozygotes.

Submissions (4):

Women's Health and Genetics/Laboratory Corporation of America, LabCorp
Classification: Uncertain significance. Last evaluated: 2019-03-08. Review status: criteria provided, single submitter. Criteria: LabCorp Variant Classification Summary - May 2015. Collection method: clinical testing. Allele origin: germline.
Comment: Variant summary: The variant, NPHS1 c.218C>T (p.Pro73Leu) results in a non-conservative amino acid change located in the Immunoglobulin-like domain of the encoded protein sequence. Three of five in-silico tools predict a damaging effect of the variant on protein function. The variant allele was found at a frequency of 2.2e-05 in 271466 control chromosomes (gnomAD). The available data on variant occurrences in the general population are insufficient to allow any conclusion about variant significance. The variant c.218C>T has been reported in the literature in an individual affected with Nephrotic Syndrome, Type 1 (Rajab_2015). However, this data does not allow any conclusion about variant significance. To our knowledge, no experimental evidence demonstrating an impact on protein function has been reported. No clinical diagnostic laboratories have submitted clinical-significance assessments for this variant to ClinVar after 2014. Based on the evidence outlined above, the variant was classified as uncertain significance.

Illumina Laboratory Services, Illumina
Classification: Uncertain significance for Congenital nephrotic syndrome. Last evaluated: 2018-01-13. Review status: criteria provided, single submitter. Criteria: ICSL Variant Classification Criteria 13 December 2019. Collection method: clinical testing. Allele origin: germline.

Breakthrough Genomics
Classification: Uncertain significance. Review status: criteria provided, single submitter. Criteria: ACMG Guidelines, 2015. Collection method: not provided. Allele origin: germline. Inheritance: Autosomal dominant inheritance. Affected: yes.

Natera, Inc.
Classification: Uncertain significance for Finnish congenital nephrotic syndrome. Last evaluated: 2020-06-19. Review status: no assertion criteria provided. Collection method: clinical testing. Allele origin: germline. Not counted in ClinVar's aggregate classification.

NM_004646.4(NPHS1):c.218C>T (p.Pro73Leu)

Genes: KIRREL2 (kirre like nephrin family adhesion molecule 2; plus strand), NPHS1 (NPHS1 adhesion molecule, nephrin; minus strand). Cytogenetic location: 19q13.12.
Variant type: single nucleotide variant.
Coding change: c.218C>T on transcript NM_004646.4 (MANE Select); coding-DNA position 218, C replaced by T.
Protein change: p.Pro73Leu; replaces proline 73 with leucine.
Molecular consequence: missense variant.
Genome position (GRCh38, 1-based): chr19:35,851,513, G>A on the plus strand (C>T on the coding strand, the complement: NPHS1 is on the minus strand). VCF-style: chr19-35851513-G-A. GRCh37 (hg19) VCF-style: chr19-36342415-G-A.
Other names: short protein forms P73L.
Identifiers: ClinVar variation 888611 (VCV000888611.7), dbSNP rs752777463, ClinGen allele CA9390881.